The following is an entry in ClinVar:

ClinVar aggregate classification (germline): Uncertain significance (1 of 4 stars; one submission).

Conditions:
Familial hypocalciuric hypercalcemia (FHH). Also called: Familial benign hypercalcemia. Identifiers: Orphanet 405, MedGen C1809471, MONDO:0018458.
Autosomal dominant hypocalcemia 1 (HYPOC1). Also called: HYPOCALCEMIA, FAMILIAL. Identifiers: MedGen C3715128, MONDO:0011013, OMIM 601198.

Submission:

Labcorp Genetics (formerly Invitae), Labcorp
Classification: Uncertain significance for Familial hypocalciuric hypercalcemia; Autosomal dominant hypocalcemia 1. Last evaluated: 2020-12-20. Review status: criteria provided, single submitter. Criteria: Invitae Variant Classification Sherloc (09022015). Collection method: clinical testing. Allele origin: germline.
Comment: Algorithms developed to predict the effect of missense changes on protein structure and function (SIFT, PolyPhen-2, Align-GVGD) all suggest that this variant is likely to be disruptive, but these predictions have not been confirmed by published functional studies and their clinical significance is uncertain. In summary, the available evidence is currently insufficient to determine the role of this variant in disease. Therefore, it has been classified as a Variant of Uncertain Significance. This variant has been observed in individual(s) with familial hypocalciuric hypercalcemia (FHH) (PMID: 20374733). This variant is not present in population databases (ExAC no frequency). This sequence change replaces alanine with threonine at codon 295 of the CASR protein (p.Ala295Thr). The alanine residue is highly conserved and there is a small physicochemical difference between alanine and threonine.

Literature cited by the submitters: PubMed 20374733.

NM_000388.4(CASR):c.883G>A (p.Ala295Thr)

Gene: CASR (calcium sensing receptor; plus strand). Cytogenetic location: 3q21.1.
Variant type: single nucleotide variant.
Coding change: c.883G>A on transcript NM_000388.4 (MANE Select); coding-DNA position 883, G replaced by A.
Protein change: p.Ala295Thr; replaces alanine 295 with threonine.
Molecular consequence: missense variant.
Genome position (GRCh38, 1-based): chr3:122,261,918, G>A. VCF-style: chr3-122261918-G-A. GRCh37 (hg19) VCF-style: chr3-121980765-G-A.
Other names: c.883G>A, p.Ala295Thr (NM_001178065.2); short protein forms A295T.
Identifiers: ClinVar variation 1430864 (VCV001430864.8), dbSNP rs1289972038, ClinGen allele CA354151554.